The following is an entry in ClinVar:

ClinVar aggregate classification (germline): Benign. Review status: criteria provided, multiple submitters, no conflicts (2 of 4 stars). 10 submissions from 10 submitters: Benign (7). 3 of the submissions do not count toward it. Last evaluated 2026-02-02.

Conditions:
RAB3GAP1-related disorder. Also called: RAB3GAP1-related disorders; RAB3GAP1-related condition.
Warburg micro syndrome 1 (WARBM1). Identifiers: Orphanet 2510, MedGen C1838625, MONDO:0010822, OMIM 600118.

Allele frequency attached by ClinVar (database versions not stated): gnomAD 0.00602 and 0.00658; TOPMed 0.00631; ESP Exome Variant Server 0.00723; gnomAD exomes 0.00770 and 0.00874; 1000 Genomes Project 30x 0.00843; ExAC 0.00893; 1000 Genomes Project 0.00899.
gnomAD v4.1: 12,277 of 1,612,244 alleles (0.76%); highest among the groups gnomAD compares: South Asian, 1.9%; 84 homozygotes.

Submissions (10):

Labcorp Genetics (formerly Invitae), Labcorp
Classification: Benign. Last evaluated: 2026-02-02. Review status: criteria provided, single submitter. Criteria: Invitae Variant Classification Sherloc (09022015). Collection method: clinical testing. Allele origin: germline.

Athena Diagnostics
Classification: Benign. Last evaluated: 2025-02-25. Review status: criteria provided, single submitter. Criteria: Athena Diagnostics Criteria. Collection method: clinical testing. Allele origin: unknown.
Comment: The frequency of this variant in the general population is higher than would generally be expected for pathogenic variants in this gene.

Mayo Clinic Laboratories, Mayo Clinic
Classification: Benign. Last evaluated: 2023-07-05. Review status: criteria provided, single submitter. Criteria: ACMG Guidelines, 2015. Collection method: clinical testing. Allele origin: germline. Observed: 7 variant alleles.
Comment: BA1, BP4

Illumina Laboratory Services, Illumina
Classification: Benign for Warburg micro syndrome 1. Last evaluated: 2017-04-27. Review status: criteria provided, single submitter. Criteria: ICSL Variant Classification Criteria 13 December 2019. Collection method: clinical testing. Allele origin: germline.
Comment: This variant was observed as part of a predisposition screen in an ostensibly healthy population. A literature search was performed for the gene, cDNA change, and amino acid change (where applicable). No publications were found based on this search. Allele frequency data from public databases was too high to be consistent with this variant causing disease. Therefore, this variant is classified as benign.

GeneDx
Classification: Benign. Last evaluated: 2016-09-01. Review status: criteria provided, single submitter. Criteria: GeneDx Variant Classification (06012015). Collection method: clinical testing. Allele origin: germline. Affected: yes.
Comment: This variant is considered likely benign or benign based on one or more of the following criteria: it is a conservative change, it occurs at a poorly conserved position in the protein, it is predicted to be benign by multiple in silico algorithms, and/or has population frequency not consistent with disease.

Genetic Services Laboratory, University of Chicago
Classification: Benign. Last evaluated: 2015-09-23. Review status: criteria provided, single submitter. Criteria: ACMG Guidelines, 2015. Collection method: clinical testing. Allele origin: germline. Affected: no.

Breakthrough Genomics
Classification: Benign. Review status: criteria provided, single submitter. Criteria: ACMG Guidelines, 2015. Collection method: not provided. Allele origin: germline. Inheritance: Autosomal recessive inheritance. Affected: yes.

PreventionGenetics, part of Exact Sciences
Classification: Benign for RAB3GAP1-related condition. Last evaluated: 2019-07-15. Review status: no assertion criteria provided. Collection method: clinical testing. Allele origin: germline. Not counted in ClinVar's aggregate classification.
Comment: This variant is classified as benign based on ACMG/AMP sequence variant interpretation guidelines (Richards et al. 2015 PMID: 25741868, with internal and published modifications).

Clinical Genetics DNA and cytogenetics Diagnostics Lab, Erasmus MC, Erasmus Medical Center
Classification: Likely benign. Review status: no assertion criteria provided. Collection method: clinical testing. Allele origin: germline. Affected: yes. Study: VKGL Data-share Consensus. Not counted in ClinVar's aggregate classification.

Joint Genome Diagnostic Labs from Nijmegen and Maastricht, Radboudumc and MUMC+
Classification: Benign. Review status: no assertion criteria provided. Collection method: clinical testing. Allele origin: germline. Affected: yes. Study: VKGL Data-share Consensus. Not counted in ClinVar's aggregate classification.

NM_012233.3(RAB3GAP1):c.913A>G (p.Ile305Val)

Gene: RAB3GAP1 (RAB3 GTPase activating protein catalytic subunit 1; plus strand). Cytogenetic location: 2q21.3.
Variant type: single nucleotide variant.
Coding change: c.913A>G on transcript NM_012233.3 (MANE Select); coding-DNA position 913, A replaced by G.
Protein change: p.Ile305Val; replaces isoleucine 305 with valine.
Molecular consequence: missense variant.
Genome position (GRCh38, 1-based): chr2:135,126,596, A>G. VCF-style: chr2-135126596-A-G. GRCh37 (hg19) VCF-style: chr2-135884166-A-G.
Other names: p.Ile305Val; c.913A>G, p.Ile305Val (NM_001172435.2); short protein forms I305V.
Identifiers: ClinVar variation 130072 (VCV000130072.28), dbSNP rs116775947, ClinGen allele CA154854.